The following is an entry in ClinVar:

ClinVar aggregate classification (germline): Uncertain significance. Review status: criteria provided, multiple submitters, no conflicts (2 of 4 stars). 2 submissions from 2 submitters: Uncertain significance (2). Last evaluated 2022-07-13.

Conditions:
Niemann-Pick disease, type C1. Also called: NIEMANN-PICK DISEASE, VARIANT TYPE C1; NEUROVISCERAL STORAGE DISEASE WITH VERTICAL SUPRANUCLEAR OPHTHALMOPLEGIA; NIEMANN-PICK DISEASE WITH CHOLESTEROL ESTERIFICATION BLOCK; NIEMANN-PICK DISEASE WITHOUT SPHINGOMYELINASE DEFICIENCY; NIEMANN-PICK DISEASE, CHRONIC NEURONOPATHIC FORM. Identifiers: Orphanet 646, MedGen C3179455, MONDO:0009757, OMIM 257220.

Allele frequency attached by ClinVar (database versions not stated): gnomAD exomes below 0.00001 and 0.00001; ExAC 0.00002; gnomAD 0.00003 and 0.00004; TOPMed 0.00003.
gnomAD v4.1: 6 of 1,614,056 alleles (0.00037%); highest among the groups gnomAD compares: African/African-American, 0.0067%; no homozygotes.

Submissions (2):

Labcorp Genetics (formerly Invitae), Labcorp
Classification: Uncertain significance for Niemann-Pick disease, type C1. Last evaluated: 2022-07-13. Review status: criteria provided, single submitter. Criteria: Invitae Variant Classification Sherloc (09022015). Collection method: clinical testing. Allele origin: germline.
Comment: This sequence change replaces threonine, which is neutral and polar, with alanine, which is neutral and non-polar, at codon 759 of the NPC1 protein (p.Thr759Ala). This variant is present in population databases (rs776873102, gnomAD 0.007%). This variant has not been reported in the literature in individuals affected with NPC1-related conditions. ClinVar contains an entry for this variant (Variation ID: 288095). Advanced modeling of protein sequence and biophysical properties (such as structural, functional, and spatial information, amino acid conservation, physicochemical variation, residue mobility, and thermodynamic stability) performed at Invitae indicates that this missense variant is not expected to disrupt NPC1 protein function. In summary, the available evidence is currently insufficient to determine the role of this variant in disease. Therefore, it has been classified as a Variant of Uncertain Significance.

Eurofins Ntd Llc (ga)
Classification: Uncertain significance. Last evaluated: 2016-05-12. Review status: criteria provided, single submitter. Criteria: EGL Classification Definitions 2015. Collection method: clinical testing. Allele origin: germline. Observed: 1 variant allele, 1 heterozygote.

NM_000271.5(NPC1):c.2275A>G (p.Thr759Ala)

Gene: NPC1 (NPC intracellular cholesterol transporter 1; minus strand). Cytogenetic location: 18q11.2.
Variant type: single nucleotide variant.
Coding change: c.2275A>G on transcript NM_000271.5 (MANE Select); coding-DNA position 2275, A replaced by G.
Protein change: p.Thr759Ala; replaces threonine 759 with alanine.
Molecular consequence: missense variant.
Genome position (GRCh38, 1-based): chr18:23,541,404, T>C on the plus strand (A>G on the coding strand, the complement: NPC1 is on the minus strand). VCF-style: chr18-23541404-T-C. GRCh37 (hg19) VCF-style: chr18-21121368-T-C.
Other names: short protein forms T759A.
Identifiers: ClinVar variation 288095 (VCV000288095.7), dbSNP rs776873102, ClinGen allele CA8913154.